The following is an entry in ClinVar:

NM_004168.4(SDHA):c.628C>T (p.Arg210Ter)

Gene: SDHA (succinate dehydrogenase complex flavoprotein subunit A; plus strand). Cytogenetic location: 5p15.33.
Variant type: single nucleotide variant.
Coding change: c.628C>T on transcript NM_004168.4 (MANE Select); coding-DNA position 628, C replaced by T.
Protein change: p.Arg210Ter; replaces arginine 210 with a stop codon.
Molecular consequence: nonsense.
Genome position (GRCh38, 1-based): chr5:228,191, C>T. VCF-style: chr5-228191-C-T. GRCh37 (hg19) VCF-style: chr5-228306-C-T.
Other names: c.484C>T, p.Arg162Ter (NM_001294332.2); c.628C>T, p.Arg210Ter (NM_001330758.2); short protein forms R210*, R162*.
Identifiers: ClinVar variation 539663 (VCV000539663.25), dbSNP rs775143272, ClinGen allele CA3172926.

ClinVar aggregate classification (germline): Pathogenic/Likely pathogenic. Review status: criteria provided, multiple submitters, no conflicts (2 of 4 stars). 8 submissions from 8 submitters: Pathogenic (7); Likely pathogenic (1). Last evaluated 2026-01-27.

Conditions:
SDHA-related disorder. Also called: SDHA-related disorders; SDHA-related condition.
Pheochromocytoma/paraganglioma syndrome 5. Also called: Paragangliomas 5; SDHA-Related Hereditary Paraganglioma-Pheochromocytoma Syndrome. Identifiers: Orphanet 29072, MedGen C3279992, MONDO:0013602, OMIM 614165.
Hereditary cancer-predisposing syndrome. Also called: Tumor predisposition; Hereditary neoplastic syndrome; Neoplastic Syndromes, Hereditary; Hereditary Cancer Syndrome. Identifiers: Orphanet 140162, MedGen C0027672, MeSH D009386, MONDO:0015356.
Dilated cardiomyopathy 1GG (CMD1GG). Identifiers: Orphanet 154, MedGen C3150898, MONDO:0013339, OMIM 613642.
Mitochondrial complex II deficiency, nuclear type 1. Also called: SUCCINATE CoQ REDUCTASE DEFICIENCY. Identifiers: Orphanet 3208, MedGen C5700310, MONDO:0100294, OMIM 252011.
Gastrointestinal stromal tumor. Also called: Gastrointestinal stroma tumor; Gastrointestinal stromal tumor, somatic. Identifiers: Orphanet 44890, MedGen C0238198, MeSH D046152, MONDO:0011719, OMIM 606764, HP:0100723.

Allele frequency attached by ClinVar (database versions not stated): gnomAD exomes below 0.00001; ExAC 0.00001; TOPMed 0.00001.
gnomAD v4.1: 4 of 1,613,580 alleles (0.00025%); highest among the groups gnomAD compares: South Asian, 0.0033%; no homozygotes.

Submissions (8):

Labcorp Genetics (formerly Invitae), Labcorp
Classification: Pathogenic for Pheochromocytoma/paraganglioma syndrome 5; Mitochondrial complex II deficiency, nuclear type 1. Last evaluated: 2026-01-27. Review status: criteria provided, single submitter. Criteria: Invitae Variant Classification Sherloc (09022015). Collection method: clinical testing. Allele origin: germline.
Comment: This sequence change creates a premature translational stop signal (p.Arg210*) in the SDHA gene. It is expected to result in an absent or disrupted protein product. Loss-of-function variants in SDHA are known to be pathogenic (PMID: 22974104, 24781757). This variant is present in population databases (rs775143272, gnomAD 0.003%). This variant has not been reported in the literature in individuals affected with SDHA-related conditions. ClinVar contains an entry for this variant (Variation ID: 539663). For these reasons, this variant has been classified as Pathogenic.

PreventionGenetics, part of Exact Sciences
Classification: Pathogenic for SDHA-related condition. Last evaluated: 2025-12-23. Review status: criteria provided, single submitter. Criteria: ACMG Guidelines, 2015. Collection method: clinical testing. Allele origin: germline.
Comment: The SDHA c.628C>T variant is predicted to result in premature protein termination (p.Arg210*). This variant has been reported as a germline heterozygous variant in an individual with gastrointestinal stromal tumor (Pantaleo et al. 2021. PubMed ID: 35059314). This variant is reported in 0.0033% of alleles in individuals of South Asian descent in gnomAD and is reported as pathogenic/likely pathogenic in ClinVar (Variation ID: 539663). Nonsense variants in SDHA are expected to be pathogenic. This variant is interpreted as pathogenic.

Myriad Genetics, Inc.
Classification: Pathogenic for Pheochromocytoma/paraganglioma syndrome 5. Last evaluated: 2024-02-07. Review status: criteria provided, single submitter. Criteria: Myriad Autosomal Dominant, Autosomal Recessive and X-Linked Classification Criteria (2023). Collection method: clinical testing. Allele origin: unknown.
Comment: This variant is considered pathogenic. This variant creates a termination codon and is predicted to result in premature protein truncation.

Genetic Services Laboratory, University of Chicago
Classification: Pathogenic. Last evaluated: 2024-02-05. Review status: criteria provided, single submitter. Criteria: ACMG Guidelines, 2015. Collection method: clinical testing. Allele origin: germline. Affected: yes.
Comment: DNA sequence analysis of the SDHA gene demonstrated a sequence change, c.628C>T, which results in the creation of a premature stop codon at amino acid position 210, p.Arg210*. This likely pathogenic sequence change is predicted to result in an abnormal transcript, which may be degraded, or may lead to the production of a truncated SDHA protein with potentially abnormal function. This sequence change has been described in the gnomAD database in one individual which corresponds to a population frequency of 0.0004% (dbSNP rs775143272). This sequence change has previously been described in an individual with an SDHA-deficient gastrointestinal stromal tumor in whom a second somatic pathogenic variant was identified in the same gene (PMID: 35059314). This sequence change has not been previously described in individuals with SDHA-related PGL/PCC, however, other truncating variants downstream of this sequence change have been described in individuals with SDHA-related tumors (PMIDs: 22974104, 30877234, 26556299, 34308366). These collective evidences indicate that this sequence change is pathogenic.

GeneDx
Classification: Pathogenic. Last evaluated: 2024-01-11. Review status: criteria provided, single submitter. Criteria: GeneDx Variant Classification Process June 2021. Collection method: clinical testing. Allele origin: germline. Affected: yes.
Comment: Nonsense variant predicted to result in protein truncation or nonsense mediated decay in a gene for which loss of function is a known mechanism of disease; Not observed at significant frequency in large population cohorts (gnomAD); This variant is associated with the following publications: (PMID: 35059314)

Ambry Genetics
Classification: Pathogenic for Hereditary cancer-predisposing syndrome. Last evaluated: 2022-09-01. Review status: criteria provided, single submitter. Criteria: Ambry Variant Classification Scheme 2023. Collection method: clinical testing. Allele origin: germline.
Comment: The p.R210* pathogenic mutation (also known as c.628C>T), located in coding exon 6 of the SDHA gene, results from a C to T substitution at nucleotide position 628. This changes the amino acid from an arginine to a stop codon within coding exon 6. This alteration is expected to result in loss of function by premature protein truncation or nonsense-mediated mRNA decay. As such, this alteration is interpreted as a disease-causing mutation.

“Giorgio Prodi” Cancer Research Center, University of Bologna
Classification: Pathogenic for Gastrointestinal stromal tumor. Last evaluated: 2021-10-01. Review status: criteria provided, single submitter. Criteria: ACMG Guidelines, 2015. Collection method: research. Allele origin: germline. Affected: yes. Observed: 1 variant allele.

Baylor Genetics
Classification: Likely pathogenic for Dilated cardiomyopathy 1GG. Last evaluated: 2021-09-23. Review status: criteria provided, single submitter. Criteria: ACMG Guidelines, 2015. Collection method: clinical testing. Allele origin: unknown.

Literature cited by the submitters: PubMed 22974104 (cited by Labcorp Genetics (formerly Invitae), Labcorp); PubMed 24781757 (cited by Labcorp Genetics (formerly Invitae), Labcorp).